The following is an entry in ClinVar:

NM_001540.5(HSPB1):c.91C>T (p.Gln31Ter)

Gene: HSPB1 (heat shock protein family B (small) member 1; plus strand). Cytogenetic location: 7q11.23.
Variant type: single nucleotide variant.
Coding change: c.91C>T on transcript NM_001540.5 (MANE Select); coding-DNA position 91, C replaced by T.
Protein change: p.Gln31Ter; replaces glutamine 31 with a stop codon.
Molecular consequence: nonsense.
Genome position (GRCh38, 1-based): chr7:76,302,803, C>T. VCF-style: chr7-76302803-C-T. GRCh37 (hg19) VCF-style: chr7-75932120-C-T.
Other names: short protein forms Q31*.
Identifiers: ClinVar variation 4747514 (VCV004747514.1).

ClinVar aggregate classification (germline): Uncertain significance (1 of 4 stars; one submission).

Conditions:
Charcot-Marie-Tooth disease axonal type 2F (CMT2F). Also called: CHARCOT-MARIE-TOOTH DISEASE, NEURONAL, TYPE 2F; Charcot-Marie-Tooth Neuropathy Type 2F. Identifiers: Orphanet 99940, MedGen C1847823, MONDO:0011687, OMIM 606595.

Submission:

Labcorp Genetics (formerly Invitae), Labcorp
Classification: Uncertain significance for Charcot-Marie-Tooth disease axonal type 2F. Last evaluated: 2025-04-28. Review status: criteria provided, single submitter. Criteria: Invitae Variant Classification Sherloc (09022015). Collection method: clinical testing. Allele origin: germline.
Comment: This sequence change creates a premature translational stop signal (p.Gln31*) in the HSPB1 gene. It is expected to result in an absent or disrupted protein product. However, the current clinical and genetic evidence is not sufficient to establish whether loss-of-function variants in HSPB1 cause disease. This variant is not present in population databases (gnomAD no frequency). This variant has not been reported in the literature in individuals affected with HSPB1-related conditions. In summary, the available evidence is currently insufficient to determine the role of this variant in disease. Therefore, it has been classified as a Variant of Uncertain Significance.